The following is an entry in ClinVar:

NM_001042492.3(NF1):c.6383A>C (p.Asn2128Thr)

Gene: NF1 (neurofibromin 1; plus strand). Cytogenetic location: 17q11.2.
Variant type: single nucleotide variant.
Coding change: c.6383A>C on transcript NM_001042492.3 (MANE Select); coding-DNA position 6383, A replaced by C.
Protein change: p.Asn2128Thr; replaces asparagine 2128 with threonine.
Molecular consequence: missense variant.
Genome position (GRCh38, 1-based): chr17:31,336,870, A>C. VCF-style: chr17-31336870-A-C. GRCh37 (hg19) VCF-style: chr17-29663888-A-C.
Other names: c.6320A>C, p.Asn2107Thr (NM_000267.4); short protein forms N2107T, N2128T.
Identifiers: ClinVar variation 4800788 (VCV004800788.1).
Genomic context (GRCh38, chr17:31,336,870, plus strand): 5'-CTTTCTTAGTAGCCACAGGTCCGCTCTCCCTTAGAGCTTCCACACATGGACTGGTCATTA[A>C]TATCATTCACTCTCTGTGTACTTGTTCACAGCTTCATTTTAGTGGTAAGTTCTAGGAAAG-3'
Protein context (NP_001035957.1, residues 2118-2138): LRASTHGLVI[Asn2128Thr]IIHSLCTCSQ

ClinVar aggregate classification (germline): Uncertain significance (1 of 4 stars; one submission).

Conditions:
Neurofibromatosis, type 1 (NF1). Also called: VON RECKLINGHAUSEN DISEASE; Neurofibromatosis, type I; NEUROFIBROMATOSIS, TYPE I, SOMATIC; Peripheral type neurofibromatosis. Identifiers: Orphanet 636, MedGen C0027831, MONDO:0018975, OMIM 162200. Disease mechanism: loss of function.

Submission:

Labcorp Genetics (formerly Invitae), Labcorp
Classification: Uncertain significance for Neurofibromatosis, type 1. Last evaluated: 2025-09-24. Review status: criteria provided, single submitter. Criteria: Invitae Variant Classification Sherloc (09022015). Collection method: clinical testing. Allele origin: germline.
Comment: This sequence change replaces asparagine, which is neutral and polar, with threonine, which is neutral and polar, at codon 2107 of the NF1 protein (p.Asn2107Thr). This variant is not present in population databases (gnomAD no frequency). This variant has not been reported in the literature in individuals affected with NF1-related conditions. Invitae Evidence Modeling of protein sequence and biophysical properties (such as structural, functional, and spatial information, amino acid conservation, physicochemical variation, residue mobility, and thermodynamic stability) indicates that this missense variant is expected to disrupt NF1 protein function with a positive predictive value of 95%. In summary, the available evidence is currently insufficient to determine the role of this variant in disease. Therefore, it has been classified as a Variant of Uncertain Significance.